The following is an entry in ClinVar:

NM_001190.4(BCAT2):c.644C>G (p.Pro215Arg)

Gene: BCAT2 (branched chain amino acid transaminase 2; minus strand). Cytogenetic location: 19q13.33.
Variant type: single nucleotide variant.
Coding change: c.644C>G on transcript NM_001190.4 (MANE Select); coding-DNA position 644, C replaced by G.
Protein change: p.Pro215Arg; replaces proline 215 with arginine.
Molecular consequence: missense variant.
Genome position (GRCh38, 1-based): chr19:48,799,726, G>C on the plus strand (C>G on the coding strand, the complement: BCAT2 is on the minus strand). VCF-style: chr19-48799726-G-C. GRCh37 (hg19) VCF-style: chr19-49302983-G-C.
Other names: c.368C>G, p.Pro123Arg (NM_001164773.2); c.524C>G, p.Pro175Arg (NM_001284325.2); short protein forms P175R, P215R, P123R.
Identifiers: ClinVar variation 732830 (VCV000732830.21), dbSNP rs150646107, ClinGen allele CA9558360.
Genomic context (GRCh38, chr19:48,799,726, plus strand): 5'-GCTACTTACCCACCTAACTTGTAGTTGCCGACCCCGCCCACCCAGGCCCGGATGAAGGCT[G>C]GGTCGGCCAGGAGGGAGACCGGGGTCACGGAGCCTCCAGGGAAGTAGGCACCCACTGGGC-3'
Protein context (NP_001181.2, residues 205-225): SVTPVSLLAD[Pro215Arg]AFIRAWVGGV

ClinVar aggregate classification (germline): Conflicting classifications of pathogenicity. Review status: criteria provided, conflicting classifications (1 of 4 stars). 3 submissions from 3 submitters: Uncertain significance (1); Likely benign (2). Last evaluated 2025-08-03.

Allele frequency attached by ClinVar (database versions not stated): ESP Exome Variant Server 0.00015; gnomAD exomes 0.00022 and 0.00030; TOPMed 0.00026; gnomAD 0.00027 and 0.00029; ExAC 0.00037.

Submissions (3):

Labcorp Genetics (formerly Invitae), Labcorp
Classification: Likely benign. Last evaluated: 2025-08-03. Review status: criteria provided, single submitter. Criteria: Invitae Variant Classification Sherloc (09022015). Collection method: clinical testing. Allele origin: germline.

CeGaT Center for Human Genetics Tuebingen
Classification: Uncertain significance. Last evaluated: 2024-09-01. Review status: criteria provided, single submitter. Criteria: CeGaT Center For Human Genetics Tuebingen Variant Classification Criteria Version 2. Collection method: clinical testing. Allele origin: germline. Affected: yes. Observed: 1 variant allele.
Comment: BCAT2: PM2:Supporting

Breakthrough Genomics
Classification: Likely benign. Review status: criteria provided, single submitter. Criteria: ACMG Guidelines, 2015. Collection method: not provided. Allele origin: germline. Inheritance: Autosomal recessive inheritance. Affected: yes.